The following is an entry in ClinVar:

ClinVar aggregate classification (germline): Conflicting classifications of pathogenicity. Review status: criteria provided, conflicting classifications (1 of 4 stars). 9 submissions from 9 submitters: Pathogenic (2); Likely pathogenic (3); Uncertain significance (1); Likely benign (1). 2 of the submissions do not count toward it. Last evaluated 2026-08-26.

Conditions:
Ichthyosis and erythrokeratoderma.
TGM5-related disorder. Also called: TGM5-related condition.
Acral peeling skin syndrome. Also called: Peeling skin syndrome 2. Identifiers: Orphanet 263534, MedGen C1853354, MONDO:0012345, OMIM 609796.

Allele frequency attached by ClinVar (database versions not stated): gnomAD exomes 0.00002 and 0.00004; ExAC 0.00003; gnomAD 0.00003; TOPMed 0.00003.
gnomAD v4.1: 38 of 1,614,048 alleles (0.0024%); highest among the groups gnomAD compares: Middle Eastern, 0.23%; 1 homozygote.

Submissions (9):

Genetics Laboratory, Great Ormond Street Hospital NHS Foundation Trust, North Thames Genomic Laboratory Hub
Classification: Uncertain significance for Ichthyosis and erythrokeratoderma. Last evaluated: 2026-08-26. Review status: criteria provided, single submitter. Criteria: ACGS Best Practice Guidelines for Variant Classification in Rare Disease 2024 v1.2. Collection method: clinical testing. Allele origin: germline. Affected: yes.
Comment: PM2_moderate, PM3_moderate

First Genomix Gene Laboratory, Genetic Diagnostics Department
Classification: Likely pathogenic for Acral peeling skin syndrome. Last evaluated: 2025-01-21. Review status: criteria provided, single submitter. Criteria: ACMG Guidelines, 2015. Collection method: clinical testing. Allele origin: germline. Inheritance: Autosomal recessive inheritance. Affected: no. Observed: 1 variant allele.

Genomic Medicine Center of Excellence, King Faisal Specialist Hospital and Research Centre
Classification: Likely pathogenic for Acral peeling skin syndrome. Last evaluated: 2024-12-19. Review status: criteria provided, single submitter. Criteria: ACMG Guidelines, 2015. Collection method: clinical testing. Allele origin: germline.

Blueprint Genetics
Classification: Pathogenic for TGM5-related disorders. Last evaluated: 2024-03-13. Review status: criteria provided, single submitter. Criteria: ACMG Guidelines, 2015. Collection method: clinical testing. Allele origin: germline. Affected: yes. Observed: 5 variant alleles.

Revvity Omics, Revvity
Classification: Likely pathogenic for Acral peeling skin syndrome. Last evaluated: 2022-01-07. Review status: criteria provided, single submitter. Criteria: ACMG Guidelines, 2015. Collection method: clinical testing. Allele origin: germline.

GeneDx
Classification: Pathogenic. Last evaluated: 2020-03-04. Review status: criteria provided, single submitter. Criteria: GeneDx Variant Classification Process June 2021. Collection method: clinical testing. Allele origin: germline. Affected: yes.
Comment: Although some homozygous control individuals have been reported, these individuals have not been screened for mild skin anomalies and may be mildly affected (Abouelhoda et al., 2016); Published functional studies in a transfected HEK293 epithelial cell line demonstrate a marked reduction in enzyme activity that was approximately 30% of the level in wild type cells (van der Velden et al., 2015); In silico analysis supports that this missense variant has a deleterious effect on protein structure/function; This variant is associated with the following publications: (PMID: 31589614, 19440220, 21307953, 20164844, 22160262, 27884173, 25644735, 22036214, 30011071)

Baylor Genetics
Classification: Likely benign for Acral peeling skin syndrome. Review status: criteria provided, single submitter. Criteria: ACMG Guidelines, 2015. Collection method: clinical testing. Allele origin: unknown.

Biochemical Molecular Genetic Laboratory, King Abdulaziz Medical City
Classification: Pathogenic for Acral peeling skin syndrome. Last evaluated: 2020-02-05. Review status: no assertion criteria provided. Collection method: clinical testing. Allele origin: germline. Affected: yes. Not counted in ClinVar's aggregate classification.

OMIM
Classification: Pathogenic for PEELING SKIN SYNDROME 2. Last evaluated: 2009-10-01. Review status: no assertion criteria provided. Collection method: literature only. Allele origin: germline. Not counted in ClinVar's aggregate classification.

Literature cited by the submitters: PubMed 19440220 (cited by OMIM).

NM_201631.4(TGM5):c.1335G>C (p.Lys445Asn)

Gene: TGM5 (transglutaminase 5; minus strand). Cytogenetic location: 15q15.2.
Variant type: single nucleotide variant.
Coding change: c.1335G>C on transcript NM_201631.4 (MANE Select); coding-DNA position 1335, G replaced by C.
Protein change: p.Lys445Asn; replaces lysine 445 with asparagine.
Molecular consequence: missense variant.
Genome position (GRCh38, 1-based): chr15:43,238,827, C>G on the plus strand (G>C on the coding strand, the complement: TGM5 is on the minus strand). VCF-style: chr15-43238827-C-G. GRCh37 (hg19) VCF-style: chr15-43531025-C-G.
Other names: c.1089G>C, p.Lys363Asn (NM_004245.4); short protein forms K445N, K363N.
Identifiers: ClinVar variation 157567 (VCV000157567.15), dbSNP rs606231276, ClinGen allele CA170976.